The following is an entry in ClinVar:

NM_024649.5(BBS1):c.951+56G>C

Genes: BBS1 (Bardet-Biedl syndrome 1; plus strand), ZDHHC24 (zDHHC palmitoyltransferase 24; minus strand). Cytogenetic location: 11q13.2.
Variant type: single nucleotide variant.
Coding change: c.951+56G>C on transcript NM_024649.5 (MANE Select); 56 bases into the intron after coding-DNA position 951, G replaced by C.
Molecular consequence: intron variant.
Genome position (GRCh38, 1-based): chr11:66,523,632, G>C. VCF-style: chr11-66523632-G-C. GRCh37 (hg19) VCF-style: chr11-66291103-G-C.
Other names: c.*22-2166C>G (NM_001348571.2).
Identifiers: ClinVar variation 4998539 (VCV004998539.1).
Genomic context (GRCh38, chr11:66,523,632, plus strand): 5'-ACAAGGTGCAGCCCCCAGCAAGCAGCAGCCCCTCCACGCCTATGTCCCTAGCCCCCACTT[G>C]GCAAGAGAGTCCTCTGGCTTCCCCACCCCAGAAACCGTTCTTTCCACTGTAAGCCCTGAG-3'

ClinVar aggregate classification (germline): Likely benign (1 of 4 stars; one submission).

Conditions:
BBS1-related disorder. Also called: BBS1-related condition.

Submission:

PreventionGenetics, part of Exact Sciences
Classification: Likely benign for BBS1-related condition. Last evaluated: 2025-03-28. Review status: criteria provided, single submitter. Criteria: ACMG Guidelines, 2015. Collection method: clinical testing. Allele origin: germline.
Comment: This variant is classified as likely benign based on ACMG/AMP sequence variant interpretation guidelines (Richards et al. 2015 PMID: 25741868, with internal and published modifications).